The following is an entry in ClinVar:

ClinVar aggregate classification (germline): Uncertain significance (1 of 4 stars; one submission).

Conditions:
Early-infantile DEE. Also called: Ohtahara syndrome; Early infantile epileptic encephalopathy with suppression bursts; Early infantile epileptic encephalopathy. Identifiers: Orphanet 1934, MedGen C0393706, MONDO:0800491.

Submission:

Labcorp Genetics (formerly Invitae), Labcorp
Classification: Uncertain significance for Early-infantile DEE. Last evaluated: 2025-01-30. Review status: criteria provided, single submitter. Criteria: Invitae Variant Classification Sherloc (09022015). Collection method: clinical testing. Allele origin: germline.
Comment: This sequence change replaces alanine, which is neutral and non-polar, with threonine, which is neutral and polar, at codon 34 of the SCN1A protein (p.Ala34Thr). This variant is not present in population databases (gnomAD no frequency). This variant has not been reported in the literature in individuals affected with SCN1A-related conditions. Invitae Evidence Modeling of protein sequence and biophysical properties (such as structural, functional, and spatial information, amino acid conservation, physicochemical variation, residue mobility, and thermodynamic stability) has been performed for this missense variant. However, the output from this modeling did not meet the statistical confidence thresholds required to predict the impact of this variant on SCN1A protein function. In summary, the available evidence is currently insufficient to determine the role of this variant in disease. Therefore, it has been classified as a Variant of Uncertain Significance.

NM_001165963.4(SCN1A):c.100G>A (p.Ala34Thr)

Gene: SCN1A (sodium voltage-gated channel alpha subunit 1; minus strand). Cytogenetic location: 2q24.3.
Variant type: single nucleotide variant.
Coding change: c.100G>A on transcript NM_001165963.4 (MANE Select); coding-DNA position 100, G replaced by A.
Protein change: p.Ala34Thr; replaces alanine 34 with threonine.
Molecular consequence: missense variant. On other transcripts: 5 prime UTR variant (1), non-coding transcript variant (1).
Genome position (GRCh38, 1-based): chr2:166,073,522, C>T on the plus strand (G>A on the coding strand, the complement: SCN1A is on the minus strand). VCF-style: chr2-166073522-C-T. GRCh37 (hg19) VCF-style: chr2-166930032-C-T.
Other names: c.100G>A, p.Ala34Thr (NM_001165964.3, NM_001202435.3, NM_001353948.2 and 10 more transcripts); c.-2326G>A (NM_001353961.2); short protein forms A34T.
Identifiers: ClinVar variation 3690286 (VCV003690286.2).